The following is an entry in ClinVar:

NM_032444.4(SLX4):c.3523C>T (p.Pro1175Ser)

Gene: SLX4 (SLX4 structure-specific endonuclease subunit; minus strand). Cytogenetic location: 16p13.3.
Variant type: single nucleotide variant.
Coding change: c.3523C>T on transcript NM_032444.4 (MANE Select); coding-DNA position 3523, C replaced by T.
Protein change: p.Pro1175Ser; replaces proline 1175 with serine.
Molecular consequence: missense variant.
Genome position (GRCh38, 1-based): chr16:3,590,115, G>A on the plus strand (C>T on the coding strand, the complement: SLX4 is on the minus strand). VCF-style: chr16-3590115-G-A. GRCh37 (hg19) VCF-style: chr16-3640116-G-A.
Other names: short protein forms P1175S.
Identifiers: ClinVar variation 4750592 (VCV004750592.1).

ClinVar aggregate classification (germline): Uncertain significance (1 of 4 stars; one submission).

Conditions:
Fanconi anemia (FA). Also called: Fanconi's anemia. Identifiers: Orphanet 84, MedGen C0015625, MeSH D005199, MONDO:0019391.

gnomAD v4.1: 21 of 1,614,152 alleles (0.0013%); highest among the groups gnomAD compares: East Asian, 0.047%; no homozygotes.

Submission:

Labcorp Genetics (formerly Invitae), Labcorp
Classification: Uncertain significance for Fanconi anemia. Last evaluated: 2025-12-16. Review status: criteria provided, single submitter. Criteria: Invitae Variant Classification Sherloc (09022015). Collection method: clinical testing. Allele origin: germline.
Comment: This sequence change replaces proline, which is neutral and non-polar, with serine, which is neutral and polar, at codon 1175 of the SLX4 protein (p.Pro1175Ser). This variant is present in population databases (rs764485616, gnomAD 0.01%). This variant has not been reported in the literature in individuals affected with SLX4-related conditions. An algorithm developed to predict the effect of missense changes on protein structure and function outputs the following: PolyPhen-2: "Benign". The serine amino acid residue is found in multiple mammalian species, which suggests that this missense change does not adversely affect protein function. In summary, the available evidence is currently insufficient to determine the role of this variant in disease. Therefore, it has been classified as a Variant of Uncertain Significance.